The following is an entry in ClinVar:

NM_001164688.2(RD3):c.89T>A (p.Met30Lys)

Gene: RD3 (RD3 regulator of GUCY2D; minus strand). Cytogenetic location: 1q32.3.
Variant type: single nucleotide variant.
Coding change: c.89T>A on transcript NM_001164688.2 (MANE Select); coding-DNA position 89, T replaced by A.
Protein change: p.Met30Lys; replaces methionine 30 with lysine.
Molecular consequence: missense variant.
Genome position (GRCh38, 1-based): chr1:211,481,327, A>T on the plus strand (T>A on the coding strand, the complement: RD3 is on the minus strand). VCF-style: chr1-211481327-A-T. GRCh37 (hg19) VCF-style: chr1-211654669-A-T.
Other names: c.89T>A, p.Met30Lys (NM_183059.3); short protein forms M30K.
Identifiers: ClinVar variation 963438 (VCV000963438.9), dbSNP rs757374757, ClinGen allele CA1381159.

ClinVar aggregate classification (germline): Uncertain significance. Review status: criteria provided, multiple submitters, no conflicts (2 of 4 stars). 2 submissions from 2 submitters: Uncertain significance (2). Last evaluated 2023-10-27.

Conditions:
Leber congenital amaurosis 12 (LCA12). Identifiers: Orphanet 65, MedGen C1857743, MONDO:0012525, OMIM 610612.

Allele frequency attached by ClinVar (database versions not stated): ExAC 0.00003; gnomAD exomes 0.00005; gnomAD 0.00001; TOPMed 0.00001.
gnomAD v4.1: 66 of 1,614,048 alleles (0.0041%); highest among the groups gnomAD compares: East Asian, 0.078%; no homozygotes.

Submissions (2):

Blueprint Genetics
Classification: Uncertain significance. Last evaluated: 2023-10-27. Review status: criteria provided, single submitter. Criteria: ACMG Guidelines, 2015. Collection method: clinical testing. Allele origin: germline.

Labcorp Genetics (formerly Invitae), Labcorp
Classification: Uncertain significance for Leber congenital amaurosis 12. Last evaluated: 2022-02-05. Review status: criteria provided, single submitter. Criteria: Invitae Variant Classification Sherloc (09022015). Collection method: clinical testing. Allele origin: germline.
Comment: In summary, the available evidence is currently insufficient to determine the role of this variant in disease. Therefore, it has been classified as a Variant of Uncertain Significance. Algorithms developed to predict the effect of missense changes on protein structure and function (SIFT, PolyPhen-2, Align-GVGD) all suggest that this variant is likely to be disruptive. ClinVar contains an entry for this variant (Variation ID: 963438). This variant has not been reported in the literature in individuals affected with RD3-related conditions. This variant is present in population databases (rs757374757, gnomAD 0.05%). This sequence change replaces methionine, which is neutral and non-polar, with lysine, which is basic and polar, at codon 30 of the RD3 protein (p.Met30Lys).